The following is an entry in ClinVar:

NM_032634.4(PIGO):c.1707G>C (p.Glu569Asp)

Gene: PIGO (phosphatidylinositol glycan anchor biosynthesis class O; minus strand). Cytogenetic location: 9p13.3.
Variant type: single nucleotide variant.
Coding change: c.1707G>C on transcript NM_032634.4 (MANE Select); coding-DNA position 1707, G replaced by C.
Protein change: p.Glu569Asp; replaces glutamic acid 569 with aspartic acid.
Molecular consequence: missense variant. On other transcripts: intron variant (2).
Genome position (GRCh38, 1-based): chr9:35,092,180, C>G on the plus strand (G>C on the coding strand, the complement: PIGO is on the minus strand). VCF-style: chr9-35092180-C-G. GRCh37 (hg19) VCF-style: chr9-35092177-C-G.
Other names: c.1344+363G>C (NM_152850.4, NM_001201484.2); short protein forms E569D.
Identifiers: ClinVar variation 640164 (VCV000640164.8), dbSNP rs752287920, ClinGen allele CA373321574.

ClinVar aggregate classification (germline): Uncertain significance (1 of 4 stars; one submission).

Conditions:
Hyperphosphatasia with impaired intellectual development syndrome 2. Also called: Hyperphosphatasia with intellectual disability syndrome 2; GLYCOSYLPHOSPHATIDYLINOSITOL BIOSYNTHESIS DEFECT 6. Identifiers: Orphanet 247262, MedGen C3553637, MONDO:0013882, OMIM 614749.

gnomAD v4.1: 1 of 1,614,160 alleles (0.000062%); highest among the groups gnomAD compares: Non-Finnish European, 0.000085%; no homozygotes.

Submission:

Labcorp Genetics (formerly Invitae), Labcorp
Classification: Uncertain significance for Hyperphosphatasia with impaired intellectual development syndrome 2. Last evaluated: 2023-08-24. Review status: criteria provided, single submitter. Criteria: Invitae Variant Classification Sherloc (09022015). Collection method: clinical testing. Allele origin: germline.
Comment: This sequence change replaces glutamic acid, which is acidic and polar, with aspartic acid, which is acidic and polar, at codon 569 of the PIGO protein (p.Glu569Asp). This variant is not present in population databases (gnomAD no frequency). This variant has not been reported in the literature in individuals affected with PIGO-related conditions. ClinVar contains an entry for this variant (Variation ID: 640164). An algorithm developed to predict the effect of missense changes on protein structure and function (PolyPhen-2) suggests that this variant is likely to be tolerated. In summary, the available evidence is currently insufficient to determine the role of this variant in disease. Therefore, it has been classified as a Variant of Uncertain Significance.